The following is an entry in ClinVar:

ClinVar aggregate classification (germline): Uncertain significance (1 of 4 stars; one submission).

Conditions:
2-aminoadipic 2-oxoadipic aciduria (AAKAD). Also called: ALPHA-AMINOADIPIC AND ALPHA-KETOADIPIC ACIDURIA; Aminoadipic aciduria. Identifiers: Orphanet 79154, MedGen C1859817, MONDO:0008774, OMIM 204750.

gnomAD v4.1: 3 of 1,613,406 alleles (0.00019%); highest among the groups gnomAD compares: Non-Finnish European, 0.00017%; no homozygotes.

Submission:

Labcorp Genetics (formerly Invitae), Labcorp
Classification: Uncertain significance for 2-aminoadipic 2-oxoadipic aciduria. Last evaluated: 2023-03-24. Review status: criteria provided, single submitter. Criteria: Invitae Variant Classification Sherloc (09022015). Collection method: clinical testing. Allele origin: germline.
Comment: Advanced modeling of protein sequence and biophysical properties (such as structural, functional, and spatial information, amino acid conservation, physicochemical variation, residue mobility, and thermodynamic stability) performed at Invitae indicates that this missense variant is not expected to disrupt DHTKD1 protein function. In summary, the available evidence is currently insufficient to determine the role of this variant in disease. Therefore, it has been classified as a Variant of Uncertain Significance. ClinVar contains an entry for this variant (Variation ID: 2179827). This sequence change replaces isoleucine, which is neutral and non-polar, with valine, which is neutral and non-polar, at codon 467 of the DHTKD1 protein (p.Ile467Val). This variant is not present in population databases (gnomAD no frequency). This variant has not been reported in the literature in individuals affected with DHTKD1-related conditions.

NM_018706.7(DHTKD1):c.1399A>G (p.Ile467Val)

Gene: DHTKD1 (dehydrogenase E1 and transketolase domain containing 1; plus strand). Cytogenetic location: 10p14.
Variant type: single nucleotide variant.
Coding change: c.1399A>G on transcript NM_018706.7 (MANE Select); coding-DNA position 1399, A replaced by G.
Protein change: p.Ile467Val; replaces isoleucine 467 with valine.
Molecular consequence: missense variant.
Genome position (GRCh38, 1-based): chr10:12,097,724, A>G. VCF-style: chr10-12097724-A-G. GRCh37 (hg19) VCF-style: chr10-12139723-A-G.
Other names: short protein forms I467V.
Identifiers: ClinVar variation 2179827 (VCV002179827.4), dbSNP rs2491491550, ClinGen allele CA376020600.